The following is an entry in ClinVar:

ClinVar aggregate classification (germline): Uncertain significance (1 of 4 stars; one submission).

Conditions:
Cardiovascular phenotype. Identifiers: MedGen CN230736.

Allele frequency attached by ClinVar (database versions not stated): ExAC 0.00001; gnomAD 0.00001.
gnomAD v4.1: 3 of 1,612,046 alleles (0.00019%); highest among the groups gnomAD compares: African/African-American, 0.0027%; no homozygotes.

Submission:

Ambry Genetics
Classification: Uncertain significance for Cardiovascular phenotype. Last evaluated: 2024-03-14. Review status: criteria provided, single submitter. Criteria: Ambry Variant Classification Scheme 2023. Collection method: clinical testing. Allele origin: germline.
Comment: The p.A118P variant (also known as c.352G>C), located in coding exon 4 of the CACNA2D1 gene, results from a G to C substitution at nucleotide position 352. The alanine at codon 118 is replaced by proline, an amino acid with highly similar properties. This amino acid position is conserved. In addition, this alteration is predicted to be tolerated by in silico analysis. Based on the available evidence, the clinical significance of this alteration remains unclear.

NM_000722.4(CACNA2D1):c.352G>C (p.Ala118Pro)

Gene: CACNA2D1 (calcium voltage-gated channel auxiliary subunit alpha2delta 1; minus strand). Cytogenetic location: 7q21.11.
Variant type: single nucleotide variant.
Coding change: c.352G>C on transcript NM_000722.4 (MANE Select); coding-DNA position 352, G replaced by C.
Protein change: p.Ala118Pro; replaces alanine 118 with proline.
Molecular consequence: missense variant.
Genome position (GRCh38, 1-based): chr7:82,170,552, C>G on the plus strand (G>C on the coding strand, the complement: CACNA2D1 is on the minus strand). VCF-style: chr7-82170552-C-G. GRCh37 (hg19) VCF-style: chr7-81799868-C-G.
Other names: c.352G>C, p.Ala118Pro (NM_001302890.2, NM_001366867.1); short protein forms A118P.
Identifiers: ClinVar variation 3232270 (VCV003232270.1), dbSNP rs777936831, ClinGen allele CA4318412.
Genomic context (GRCh38, chr7:82,170,552, plus strand): 5'-ATTATCCATACACAATATGTCAAGCTATTTAAATCAAGTAGTTAAAAGGGGTTCTTACTG[C>G]AAAATCTTCTCTCCACTGGTGAGCTGCTTGAACTTTCTCCGCTTCCAATGCCAGGCGCTG-3'
Protein context (NP_000713.2, residues 108-128): QAAHQWREDF[Ala118Pro]SNEVVYYNAK